The following is an entry in ClinVar:

NM_001368067.1(LDB3):c.324G>A (p.Val108=)

Genes: LDB3 (LIM domain binding 3; plus strand), LOC110121486 (VISTA enhancer hs2143; plus strand). Cytogenetic location: 10q23.2.
Variant type: single nucleotide variant.
Coding change: c.324G>A on transcript NM_001368067.1 (MANE Plus Clinical); coding-DNA position 324, G replaced by A.
Protein change: p.Val108=; no amino-acid change (valine 108 retained).
Molecular consequence: synonymous variant. On other transcripts: intron variant (7).
Genome position (GRCh38, 1-based): chr10:86,685,680, G>A. VCF-style: chr10-86685680-G-A. GRCh37 (hg19) VCF-style: chr10-88445437-G-A.
Other names: c.324G>A, p.Val108= (NM_001080114.2, NM_001080116.1, NM_001368066.1 and 1 more transcripts); c.689+3877G>A (NM_001368064.1, NM_001368063.1, NM_007078.3 and 2 more transcripts); c.690-1389G>A (NM_001171610.2, NM_001171611.2).
Identifiers: ClinVar variation 532927 (VCV000532927.12), dbSNP rs397516556, ClinGen allele CA5584775.

ClinVar aggregate classification (germline): Conflicting classifications of pathogenicity. Review status: criteria provided, conflicting classifications (1 of 4 stars). 2 submissions from 2 submitters: Uncertain significance (1); Likely benign (1). Last evaluated 2025-09-08.

Conditions:
Myofibrillar myopathy 4. Also called: Zaspopathy (type). Identifiers: Orphanet 98912, MedGen C4721886, MONDO:0012277, OMIM 609452.

Allele frequency attached by ClinVar (database versions not stated): TOPMed 0.00002; gnomAD 0.00006.
gnomAD v4.1: 15 of 1,614,026 alleles (0.00093%); highest among the groups gnomAD compares: African/African-American, 0.0053%; no homozygotes.

Submissions (2):

Labcorp Genetics (formerly Invitae), Labcorp
Classification: Uncertain significance for Myofibrillar myopathy 4. Last evaluated: 2025-09-08. Review status: criteria provided, single submitter. Criteria: Invitae Variant Classification Sherloc (09022015). Collection method: clinical testing. Allele origin: germline.
Comment: This sequence change affects codon 108 of the LDB3 mRNA. It is a 'silent' change, meaning that it does not change the encoded amino acid sequence of the LDB3 protein. This variant is present in population databases (rs397516556, gnomAD 0.01%). This variant has not been reported in the literature in individuals affected with LDB3-related conditions. ClinVar contains an entry for this variant (Variation ID: 532927). Algorithms developed to predict the effect of sequence changes on RNA splicing suggest that this variant may disrupt the consensus splice site. In summary, the available evidence is currently insufficient to determine the role of this variant in disease. Therefore, it has been classified as a Variant of Uncertain Significance.

Blueprint Genetics
Classification: Likely benign. Last evaluated: 2021-10-30. Review status: criteria provided, single submitter. Criteria: ACMG Guidelines, 2015. Collection method: clinical testing. Allele origin: germline.